The following is an entry in ClinVar:

NM_002850.4(PTPRS):c.2517G>A (p.Ser839=)

Gene: PTPRS (protein tyrosine phosphatase receptor type S; minus strand). Cytogenetic location: 19p13.3.
Variant type: single nucleotide variant.
Coding change: c.2517G>A on transcript NM_002850.4 (MANE Select); coding-DNA position 2517, G replaced by A.
Protein change: p.Ser839=; no amino-acid change (serine 839 retained).
Molecular consequence: synonymous variant. On other transcripts: intron variant (2).
Genome position (GRCh38, 1-based): chr19:5,223,275, C>T on the plus strand (G>A on the coding strand, the complement: PTPRS is on the minus strand). VCF-style: chr19-5223275-C-T. GRCh37 (hg19) VCF-style: chr19-5223286-C-T.
Other names: c.2451G>A, p.Ser817= (NM_001394011.1, NM_001394013.1, NM_130854.3); c.2478G>A, p.Ser826= (NM_001394012.1); c.1811-1055G>A (NM_130853.3); c.1823-1055G>A (NM_130855.3).
Identifiers: ClinVar variation 3050042 (VCV003050042.2), dbSNP rs371849563, ClinGen allele CA9109919.

ClinVar aggregate classification (germline): Likely benign (0 of 4 stars; one submission).

Conditions:
PTPRS-related disorder. Also called: PTPRS-related condition.

Allele frequency attached by ClinVar (database versions not stated): ESP Exome Variant Server 0.00008; gnomAD 0.00031; 1000 Genomes Project 30x 0.00078; 1000 Genomes Project 0.00080; ExAC 0.00130.
gnomAD v4.1: 616 of 1,467,830 alleles (0.042%); highest among the groups gnomAD compares: South Asian, 0.091%; no homozygotes.

Submission:

PreventionGenetics, part of Exact Sciences
Classification: Likely benign for PTPRS-related condition. Last evaluated: 2020-06-22. Review status: no assertion criteria provided. Collection method: clinical testing. Allele origin: germline.
Comment: This variant is classified as likely benign based on ACMG/AMP sequence variant interpretation guidelines (Richards et al. 2015 PMID: 25741868, with internal and published modifications).